The following is an entry in ClinVar:

ClinVar aggregate classification (germline): Benign. Review status: criteria provided, multiple submitters, no conflicts (2 of 4 stars). 2 submissions from 2 submitters: Benign (2). Last evaluated 2018-01-12.

Conditions:
Interstitial lung disease due to ABCA3 deficiency. Also called: PULMONARY ALVEOLAR PROTEINOSIS, CONGENITAL, 3. Identifiers: Orphanet 440402, MedGen C1970456, MONDO:0012582, OMIM 610921.

Allele frequency attached by ClinVar (database versions not stated): 1000 Genomes Project 0.08427; TOPMed 0.08848; 1000 Genomes Project 30x 0.08948.
gnomAD v4.1: 14,805 of 451,986 alleles (3.3%); highest among the groups gnomAD compares: African/African-American, 26%; 1,808 homozygotes.

Submissions (2):

Illumina Laboratory Services, Illumina
Classification: Benign for Interstitial lung disease due to ABCA3 deficiency. Last evaluated: 2018-01-12. Review status: criteria provided, single submitter. Criteria: ICSL Variant Classification Criteria 13 December 2019. Collection method: clinical testing. Allele origin: germline.
Comment: This variant was observed in the ICSL laboratory as part of a predisposition screen in an ostensibly healthy population. It had not been previously curated by ICSL or reported in the Human Gene Mutation Database (HGMD: prior to June 1st, 2018), and was therefore a candidate for classification through an automated scoring system. Utilizing variant allele frequency, disease prevalence and penetrance estimates, and inheritance mode, an automated score was calculated to assess if this variant is too frequent to cause the disease. Based on the score and internal cut-off values, a variant classified as benign is not then subjected to further curation. The score for this variant resulted in a classification of benign for this disease.

Breakthrough Genomics
Classification: Benign. Review status: criteria provided, single submitter. Criteria: ACMG Guidelines, 2015. Collection method: not provided. Allele origin: germline. Inheritance: Autosomal recessive inheritance. Affected: yes.

NM_001089.3(ABCA3):c.-236C>G

Gene: ABCA3 (ATP binding cassette subfamily A member 3; minus strand). Cytogenetic location: 16p13.3.
Variant type: single nucleotide variant.
Coding change: c.-236C>G on transcript NM_001089.3 (MANE Select); 236 bases upstream of the start codon, C replaced by G.
Molecular consequence: 5 prime UTR variant.
Genome position (GRCh38, 1-based): chr16:2,328,662, G>C on the plus strand (C>G on the coding strand, the complement: ABCA3 is on the minus strand). VCF-style: chr16-2328662-G-C. GRCh37 (hg19) VCF-style: chr16-2378663-G-C.
Identifiers: ClinVar variation 318587 (VCV000318587.6), dbSNP rs323048, ClinGen allele CA7841903.